The following is an entry in ClinVar:

NM_000361.3(THBD):c.*1469C>T

Gene: THBD (thrombomodulin; minus strand). Cytogenetic location: 20p11.21.
Variant type: single nucleotide variant.
Coding change: c.*1469C>T on transcript NM_000361.3 (MANE Select); 1469 bases downstream of the stop codon, C replaced by T.
Molecular consequence: 3 prime UTR variant.
Genome position (GRCh38, 1-based): chr20:23,046,308, G>A on the plus strand (C>T on the coding strand, the complement: THBD is on the minus strand). VCF-style: chr20-23046308-G-A. GRCh37 (hg19) VCF-style: chr20-23026945-G-A.
Identifiers: ClinVar variation 337857 (VCV000337857.29), dbSNP rs3176124, ClinGen allele CA10643560.

ClinVar aggregate classification (germline): Conflicting classifications of pathogenicity. Review status: criteria provided, conflicting classifications (1 of 4 stars). 2 submissions from 2 submitters: Uncertain significance (1); Benign (1). Last evaluated 2022-05-01.

Conditions:
Atypical hemolytic-uremic syndrome with thrombomodulin anomaly. Also called: HEMOLYTIC UREMIC SYNDROME, ATYPICAL, SUSCEPTIBILITY TO, 6; AHUS, SUSCEPTIBILITY TO, 6. Identifiers: MedGen C2752036, MONDO:0013044, OMIM 612926. Disease mechanism: gain of function.

Allele frequency attached by ClinVar (database versions not stated): 1000 Genomes Project 30x 0.00031; 1000 Genomes Project 0.00040; TOPMed 0.00338; gnomAD 0.00343 and 0.00363; gnomAD exomes 0.00435.
gnomAD v4.1: 527 of 152,480 alleles (0.35%); highest among the groups gnomAD compares: Non-Finnish European, 0.51%; 2 homozygotes.

Submissions (2):

CeGaT Center for Human Genetics Tuebingen
Classification: Benign. Last evaluated: 2022-05-01. Review status: criteria provided, single submitter. Criteria: CeGaT Center For Human Genetics Tuebingen Variant Classification Criteria Version 2. Collection method: clinical testing. Allele origin: germline. Affected: yes. Observed: 1 variant allele.
Comment: THBD: BS1, BS2

Illumina Laboratory Services, Illumina
Classification: Uncertain significance for Atypical hemolytic-uremic syndrome with thrombomodulin anomaly. Last evaluated: 2018-01-13. Review status: criteria provided, single submitter. Criteria: ICSL Variant Classification Criteria 13 December 2019. Collection method: clinical testing. Allele origin: germline.